The following is an entry in ClinVar:

NM_015046.7(SETX):c.3782G>C (p.Ser1261Thr)

Gene: SETX (senataxin; minus strand). Cytogenetic location: 9q34.13.
Variant type: single nucleotide variant.
Coding change: c.3782G>C on transcript NM_015046.7 (MANE Select); coding-DNA position 3782, G replaced by C.
Protein change: p.Ser1261Thr; replaces serine 1261 with threonine.
Molecular consequence: missense variant.
Genome position (GRCh38, 1-based): chr9:132,327,816, C>G on the plus strand (G>C on the coding strand, the complement: SETX is on the minus strand). VCF-style: chr9-132327816-C-G. GRCh37 (hg19) VCF-style: chr9-135203203-C-G.
Other names: c.3782G>C, p.Ser1261Thr (NM_001351527.2, NM_001351528.2); short protein forms S1261T.
Identifiers: ClinVar variation 3349954 (VCV003349954.1).

ClinVar aggregate classification (germline): Uncertain significance (0 of 4 stars; one submission).

Conditions:
SETX-related disorder. Also called: SETX-related condition; SETX-related disorders. Identifiers: MedGen CN239403.

gnomAD v4.1: 1 of 1,614,148 alleles (0.000062%); highest among the groups gnomAD compares: Non-Finnish European, 0.000085%; no homozygotes.

Submission:

PreventionGenetics, part of Exact Sciences
Classification: Uncertain significance for SETX-related condition. Last evaluated: 2023-12-31. Review status: no assertion criteria provided. Collection method: clinical testing. Allele origin: germline.
Comment: The SETX c.3782G>C variant is predicted to result in the amino acid substitution p.Ser1261Thr. To our knowledge, this variant has not been reported in the literature or in a large population database, indicating this variant is rare. At this time, the clinical significance of this variant is uncertain due to the absence of conclusive functional and genetic evidence.